The following is an entry in ClinVar:

NM_138395.4(MARS2):c.1153G>C (p.Asp385His)

Gene: MARS2 (methionyl-tRNA synthetase 2, mitochondrial; plus strand). Cytogenetic location: 2q33.1.
Variant type: single nucleotide variant.
Coding change: c.1153G>C on transcript NM_138395.4 (MANE Select); coding-DNA position 1153, G replaced by C.
Protein change: p.Asp385His; replaces aspartic acid 385 with histidine.
Molecular consequence: missense variant.
Genome position (GRCh38, 1-based): chr2:197,706,558, G>C. VCF-style: chr2-197706558-G-C. GRCh37 (hg19) VCF-style: chr2-198571282-G-C.
Other names: short protein forms D385H.
Identifiers: ClinVar variation 1466280 (VCV001466280.6), dbSNP rs571945482, ClinGen allele CA2044702.
Genomic context (GRCh38, chr2:197,706,558, plus strand): 5'-TATACCGTGGATGGCTTCCGCTACTTTCTCCTTCGGCAGGGCGTCCCCAACTGGGACTGT[G>C]ACTACTATGATGAAAAGGTGGTTAAGTTGCTGAACTCCGAGCTGGCAGATGCCTTGGGAG-3'
Protein context (NP_612404.1, residues 375-395): LRQGVPNWDC[Asp385His]YYDEKVVKLL

ClinVar aggregate classification (germline): Uncertain significance (1 of 4 stars; one submission).

Allele frequency attached by ClinVar (database versions not stated): ExAC 0.00005; 1000 Genomes Project 30x 0.00062; gnomAD exomes 0.00001 and 0.00003; gnomAD 0.00001 and 0.00002; 1000 Genomes Project 0.00060.

Submission:

Labcorp Genetics (formerly Invitae), Labcorp
Classification: Uncertain significance. Last evaluated: 2025-10-18. Review status: criteria provided, single submitter. Criteria: Invitae Variant Classification Sherloc (09022015). Collection method: clinical testing. Allele origin: germline.
Comment: This sequence change replaces aspartic acid, which is acidic and polar, with histidine, which is basic and polar, at codon 385 of the MARS2 protein (p.Asp385His). This variant is present in population databases (rs571945482, gnomAD 0.04%). This variant has not been reported in the literature in individuals affected with MARS2-related conditions. ClinVar contains an entry for this variant (Variation ID: 1466280). Invitae Evidence Modeling of protein sequence and biophysical properties (such as structural, functional, and spatial information, amino acid conservation, physicochemical variation, residue mobility, and thermodynamic stability) indicates that this missense variant is expected to disrupt MARS2 protein function with a positive predictive value of 80%. In summary, the available evidence is currently insufficient to determine the role of this variant in disease. Therefore, it has been classified as a Variant of Uncertain Significance.